The following is an entry in ClinVar:

ClinVar aggregate classification (germline): Uncertain significance (1 of 4 stars; one submission).

Conditions:
MOGS-congenital disorder of glycosylation. Also called: CDG 2B; GLUCOSIDASE I DEFICIENCY; MOGS-CDG; CDG IIb. Identifiers: Orphanet 79330, MedGen C1853736, MONDO:0011629, OMIM 606056.

Submission:

Labcorp Genetics (formerly Invitae), Labcorp
Classification: Uncertain significance for MOGS-congenital disorder of glycosylation. Last evaluated: 2020-05-07. Review status: criteria provided, single submitter. Criteria: Invitae Variant Classification Sherloc (09022015). Collection method: clinical testing. Allele origin: germline.
Comment: In summary, the available evidence is currently insufficient to determine the role of this variant in disease. Therefore, it has been classified as a Variant of Uncertain Significance. Algorithms developed to predict the effect of missense changes on protein structure and function (SIFT, PolyPhen-2, Align-GVGD) all suggest that this variant is likely to be tolerated, but these predictions have not been confirmed by published functional studies and their clinical significance is uncertain. This variant has not been reported in the literature in individuals with MOGS-related conditions. This variant is not present in population databases (ExAC no frequency). This sequence change replaces asparagine with threonine at codon 267 of the MOGS protein (p.Asn267Thr). The asparagine residue is moderately conserved and there is a small physicochemical difference between asparagine and threonine.

NM_006302.3(MOGS):c.800A>C (p.Asn267Thr)

Gene: MOGS (mannosyl-oligosaccharide glucosidase; minus strand). Cytogenetic location: 2p13.1.
Variant type: single nucleotide variant.
Coding change: c.800A>C on transcript NM_006302.3 (MANE Select); coding-DNA position 800, A replaced by C.
Protein change: p.Asn267Thr; replaces asparagine 267 with threonine.
Molecular consequence: missense variant.
Genome position (GRCh38, 1-based): chr2:74,462,989, T>G on the plus strand (A>C on the coding strand, the complement: MOGS is on the minus strand). VCF-style: chr2-74462989-T-G. GRCh37 (hg19) VCF-style: chr2-74690116-T-G.
Other names: c.482A>C, p.Asn161Thr (NM_001146158.2); short protein forms N161T, N267T.
Identifiers: ClinVar variation 1039572 (VCV001039572.9), dbSNP rs1671971903, ClinGen allele CA347379240.